The following is an entry in ClinVar:

NM_001329943.3(KIAA0586):c.1543G>A (p.Ala515Thr)

Gene: KIAA0586 (KIAA0586; plus strand). Cytogenetic location: 14q23.1.
Variant type: single nucleotide variant.
Coding change: c.1543G>A on transcript NM_001329943.3 (MANE Select); coding-DNA position 1543, G replaced by A.
Protein change: p.Ala515Thr; replaces alanine 515 with threonine.
Molecular consequence: missense variant.
Genome position (GRCh38, 1-based): chr14:58,457,939, G>A. VCF-style: chr14-58457939-G-A. GRCh37 (hg19) VCF-style: chr14-58924657-G-A.
Other names: c.1702G>A, p.Ala568Thr (NM_001244189.2); c.1498G>A, p.Ala500Thr (NM_001244190.2); c.1288G>A, p.Ala430Thr (NM_001244191.2, NM_001329945.2, NM_001364700.1 and 1 more transcripts); c.1411G>A, p.Ala471Thr (NM_001244192.2); c.1123G>A, p.Ala375Thr (NM_001244193.2); c.1543G>A, p.Ala515Thr (NM_001329944.2, NM_001329946.2, NM_001329947.2 and 1 more transcripts); short protein forms A515T, A568T, A430T, A471T, A375T, A500T.
Identifiers: ClinVar variation 542188 (VCV000542188.27), dbSNP rs568910724, ClinGen allele CA7205678.

ClinVar aggregate classification (germline): Benign/Likely benign. Review status: criteria provided, multiple submitters, no conflicts (2 of 4 stars). 4 submissions from 4 submitters: Benign (2); Likely benign (2). Last evaluated 2026-07-01.

Conditions:
Joubert syndrome 23 (JBTS23). Identifiers: Orphanet 475, MedGen C4084822, MONDO:0014664, OMIM 616490.
Short-rib thoracic dysplasia 14 with polydactyly (SRTD14). Identifiers: Orphanet 397715, MedGen C4225286, MONDO:0014688, OMIM 616546.

Allele frequency attached by ClinVar (database versions not stated): gnomAD 0.00004 and 0.00047; TOPMed 0.00011; gnomAD exomes 0.00063 and 0.00125; ExAC 0.00209; 1000 Genomes Project 0.00240; 1000 Genomes Project 30x 0.00250.
gnomAD v4.1: 976 of 1,602,212 alleles (0.061%); highest among the groups gnomAD compares: South Asian, 1%; 14 homozygotes.

Submissions (4):

CeGaT Center for Human Genetics Tuebingen
Classification: Benign. Last evaluated: 2026-07-01. Review status: criteria provided, single submitter. Criteria: CeGaT Center For Human Genetics Tuebingen Variant Classification Criteria Version 2. Collection method: clinical testing. Allele origin: germline. Affected: yes. Observed: 2 variant alleles.
Comment: KIAA0586: BP4, BS1, BS2

Labcorp Genetics (formerly Invitae), Labcorp
Classification: Benign for Joubert syndrome 23; Short-rib thoracic dysplasia 14 with polydactyly. Last evaluated: 2026-01-12. Review status: criteria provided, single submitter. Criteria: Invitae Variant Classification Sherloc (09022015). Collection method: clinical testing. Allele origin: germline.

Blueprint Genetics
Classification: Likely benign. Last evaluated: 2024-03-18. Review status: criteria provided, single submitter. Criteria: ACMG Guidelines, 2015. Collection method: clinical testing. Allele origin: germline.

GeneDx
Classification: Likely benign. Last evaluated: 2024-02-22. Review status: criteria provided, single submitter. Criteria: GeneDx Variant Classification Process June 2021. Collection method: clinical testing. Allele origin: germline. Affected: yes.
Comment: See Variant Classification Assertion Criteria.